The following is an entry in ClinVar:

NM_000203.5(IDUA):c.373C>T (p.Gln125Ter)

Gene: IDUA (alpha-L-iduronidase; plus strand). Cytogenetic location: 4p16.3.
Variant type: single nucleotide variant.
Coding change: c.373C>T on transcript NM_000203.5 (MANE Select); coding-DNA position 373, C replaced by T.
Protein change: p.Gln125Ter; replaces glutamine 125 with a stop codon.
Molecular consequence: nonsense. On other transcripts: 5 prime UTR variant (1), non-coding transcript variant (1).
Genome position (GRCh38, 1-based): chr4:1,000,685, C>T. VCF-style: chr4-1000685-C-T. GRCh37 (hg19) VCF-style: chr4-994473-C-T.
Other names: p.Gln125Ter; c.-24C>T (NM_001363576.1); short protein forms Q125*.
Identifiers: ClinVar variation 2585643 (VCV002585643.2), dbSNP rs2534077620, ClinGen allele CA355961199.

ClinVar aggregate classification (germline): Likely pathogenic (1 of 4 stars; one submission).

Conditions:
Hurler syndrome. Also called: MUCOPOLYSACCHARIDOSIS TYPE IH; Severe MPS I (Hurler Syndrome); Gargoylism, Hurler Syndrome. Identifiers: Orphanet 93473, MedGen C0086795, MONDO:0011758, OMIM 607014.

Allele frequency attached by ClinVar (database versions not stated): gnomAD exomes below 0.00001.
gnomAD v4.1: 1 of 1,611,078 alleles (0.000062%); highest among the groups gnomAD compares: South Asian, 0.0011%; no homozygotes.

Submission:

Foundation for Research in Genetics and Endocrinology, FRIGE's Institute of Human Genetics
Classification: Likely pathogenic for Hurler syndrome. Last evaluated: 2023-10-20. Review status: criteria provided, single submitter. Criteria: ACMG Guidelines, 2015. Collection method: clinical testing. Allele origin: germline. Inheritance: Autosomal recessive inheritance. Affected: yes. Observed: 1 compound heterozygote.
Comment: Heterozygous status for variants c.373C>T (p.Gln125ter) in exon 3 the IDUA gene. The variants were not observed in 1000 genomes and gnomAD databases. The in-silico prediction of the variants is disease causing by DANN and Mutation Taster2. The reference codon is conserved across species. In summary, the variant meets our criteria to be classified as likely pathogenic.